The following is an entry in ClinVar:

ClinVar aggregate classification (germline): Likely benign. Review status: criteria provided, single submitter (1 of 4 stars). 2 submissions from 2 submitters: Likely benign (1). 1 of the submissions does not count toward it. Last evaluated 2023-07-15.

Conditions:
BBS2-related disorder. Also called: BBS2-related disorders; BBS2-related condition. Identifiers: MedGen CN239228.
Bardet-Biedl syndrome (BBS). Identifiers: Orphanet 110, MedGen C0752166, MONDO:0015229.

Allele frequency attached by ClinVar (database versions not stated): gnomAD exomes below 0.00001; TOPMed 0.00003.
gnomAD v4.1: 2 of 1,614,168 alleles (0.00012%); highest among the groups gnomAD compares: Non-Finnish European, 0.000085%; no homozygotes.

Submissions (2):

Labcorp Genetics (formerly Invitae), Labcorp
Classification: Likely benign for Bardet-Biedl syndrome. Last evaluated: 2023-07-15. Review status: criteria provided, single submitter. Criteria: Invitae Variant Classification Sherloc (09022015). Collection method: clinical testing. Allele origin: germline.

PreventionGenetics, part of Exact Sciences
Classification: Likely benign for BBS2-related condition. Last evaluated: 2024-04-10. Review status: no assertion criteria provided. Collection method: clinical testing. Allele origin: germline. Not counted in ClinVar's aggregate classification.
Comment: This variant is classified as likely benign based on ACMG/AMP sequence variant interpretation guidelines (Richards et al. 2015 PMID: 25741868, with internal and published modifications).

NM_031885.5(BBS2):c.1506C>A (p.Thr502=)

Gene: BBS2 (Bardet-Biedl syndrome 2; minus strand). Cytogenetic location: 16q13.
Variant type: single nucleotide variant.
Coding change: c.1506C>A on transcript NM_031885.5 (MANE Select); coding-DNA position 1506, C replaced by A.
Protein change: p.Thr502=; no amino-acid change (threonine 502 retained).
Molecular consequence: synonymous variant. On other transcripts: non-coding transcript variant (5).
Genome position (GRCh38, 1-based): chr16:56,499,799, G>T on the plus strand (C>A on the coding strand, the complement: BBS2 is on the minus strand). VCF-style: chr16-56499799-G-T. GRCh37 (hg19) VCF-style: chr16-56533711-G-T.
Other names: c.1506C>A (NM_031885.3); c.1506C>A, p.Thr502= (NM_001377456.1).
Identifiers: ClinVar variation 1899652 (VCV001899652.6), dbSNP rs1049924092, ClinGen allele CA281479777.